The following is an entry in ClinVar:

NM_000019.4(ACAT1):c.326T>G (p.Leu109Trp)

Gene: ACAT1 (acetyl-CoA acetyltransferase 1; plus strand). Cytogenetic location: 11q22.3.
Variant type: single nucleotide variant.
Coding change: c.326T>G on transcript NM_000019.4 (MANE Select); coding-DNA position 326, T replaced by G.
Protein change: p.Leu109Trp; replaces leucine 109 with tryptophan.
Molecular consequence: missense variant. On other transcripts: non-coding transcript variant (2), intron variant (2).
Genome position (GRCh38, 1-based): chr11:108,134,308, T>G. VCF-style: chr11-108134308-T-G. GRCh37 (hg19) VCF-style: chr11-108005035-T-G.
Other names: c.326T>G, p.Leu109Trp (NM_001386677.1); c.56T>G, p.Leu19Trp (NM_001386681.1, NM_001386682.1, NM_001386685.1 and 6 more transcripts); c.37+12T>G (NM_001386679.1); c.120+2354T>G (NM_001386678.1); short protein forms L19W, L109W.
Identifiers: ClinVar variation 2860349 (VCV002860349.3), dbSNP rs2077419436, ClinGen allele CA382506651.
Genomic context (GRCh38, chr11:108,134,308, plus strand): 5'-CATACATGGGTAATGTTCTACAAGGAGGTGAAGGACAAGCTCCTACAAGGCAGGCAGTAT[T>G]GGGTGCAGGTACCTGGAAGACTTTTTTGCTTTTATACTTAAAATGTGTAAAAGGGGCCGG-3'
Protein context (NP_000010.1, residues 99-119): EGQAPTRQAV[Leu109Trp]GAGLPISTPC

ClinVar aggregate classification (germline): Uncertain significance (1 of 4 stars; one submission).

Conditions:
Deficiency of acetyl-CoA acetyltransferase. Also called: Beta-ketothiolase deficiency; MITOCHONDRIAL ACETOACETYL-CoA THIOLASE DEFICIENCY; 3-KETOTHIOLASE DEFICIENCY; 3-OXOTHIOLASE DEFICIENCY. Identifiers: Orphanet 134, MedGen C1536500, MONDO:0008760, OMIM 203750. Disease mechanism: loss of function.

Submission:

Labcorp Genetics (formerly Invitae), Labcorp
Classification: Uncertain significance for Deficiency of acetyl-CoA acetyltransferase. Last evaluated: 2023-05-21. Review status: criteria provided, single submitter. Criteria: Invitae Variant Classification Sherloc (09022015). Collection method: clinical testing. Allele origin: germline.
Comment: In summary, the available evidence is currently insufficient to determine the role of this variant in disease. Therefore, it has been classified as a Variant of Uncertain Significance. Advanced modeling of protein sequence and biophysical properties (such as structural, functional, and spatial information, amino acid conservation, physicochemical variation, residue mobility, and thermodynamic stability) has been performed at Invitae for this missense variant, however the output from this modeling did not meet the statistical confidence thresholds required to predict the impact of this variant on ACAT1 protein function. This variant has not been reported in the literature in individuals affected with ACAT1-related conditions. This variant is not present in population databases (gnomAD no frequency). This sequence change replaces leucine, which is neutral and non-polar, with tryptophan, which is neutral and slightly polar, at codon 109 of the ACAT1 protein (p.Leu109Trp).